The following is an entry in ClinVar:

NM_000051.4(ATM):c.4078A>T (p.Ser1360Cys)

Gene: ATM (ATM serine/threonine kinase; plus strand). Cytogenetic location: 11q22.3.
Variant type: single nucleotide variant.
Coding change: c.4078A>T on transcript NM_000051.4 (MANE Select); coding-DNA position 4078, A replaced by T.
Protein change: p.Ser1360Cys; replaces serine 1360 with cysteine.
Molecular consequence: missense variant.
Genome position (GRCh38, 1-based): chr11:108,287,684, A>T. VCF-style: chr11-108287684-A-T. GRCh37 (hg19) VCF-style: chr11-108158411-A-T.
Other names: c.4078A>T, p.Ser1360Cys (NM_001351834.2); short protein forms S1360C.
Identifiers: ClinVar variation 234266 (VCV000234266.12), dbSNP rs761123780, ClinGen allele CA6265391.
Genomic context (GRCh38, chr11:108,287,684, plus strand): 5'-TTACCAGAGATTGTGGTGGAGTTATTGATGACGTTACATGAGCCAGCAAATTCTAGTGCC[A>T]GTCAGAGCACTGACCTCTGTGACTTTTCAGGGTATGTACATTTTAAACTTAGAGAACTAG-3'
Protein context (NP_000042.3, residues 1350-1370): TLHEPANSSA[Ser1360Cys]QSTDLCDFSG

ClinVar aggregate classification (germline): Uncertain significance. Review status: criteria provided, multiple submitters, no conflicts (2 of 4 stars). 4 submissions from 4 submitters: Uncertain significance (3). 1 of the submissions does not count toward it. Last evaluated 2023-09-28.

Conditions:
Ataxia-telangiectasia syndrome (AT). Also called: Ataxia telangiectasia (A-T); LOUIS-BAR SYNDROME; Cerebello-oculocutaneous telangiectasia; Immunodeficiency with ataxia telangiectasia; ATAXIA-TELANGIECTASIA, COMPLEMENTATION GROUP A; ATAXIA-TELANGIECTASIA, FRESNO VARIANT. Identifiers: Orphanet 100, MedGen C0004135, MONDO:0008840, OMIM 208900.
Hereditary cancer-predisposing syndrome. Also called: Tumor predisposition; Hereditary Cancer Syndrome; Hereditary neoplastic syndrome; Neoplastic Syndromes, Hereditary. Identifiers: Orphanet 140162, MedGen C0027672, MeSH D009386, MONDO:0015356.

Allele frequency attached by ClinVar (database versions not stated): gnomAD exomes below 0.00001; ExAC 0.00001.

Submissions (4):

Ambry Genetics
Classification: Uncertain significance for Hereditary cancer-predisposing syndrome. Last evaluated: 2023-09-28. Review status: criteria provided, single submitter. Criteria: Ambry Variant Classification Scheme 2023. Collection method: clinical testing. Allele origin: germline.
Comment: The p.S1360C variant (also known as c.4078A>T), located in coding exon 26 of the ATM gene, results from an A to T substitution at nucleotide position 4078. The serine at codon 1360 is replaced by cysteine, an amino acid with dissimilar properties. This amino acid position is conserved. In addition, this alteration is predicted to be tolerated by in silico analysis. Since supporting evidence is limited at this time, the clinical significance of this alteration remains unclear.

Labcorp Genetics (formerly Invitae), Labcorp
Classification: Uncertain significance for Ataxia-telangiectasia syndrome. Last evaluated: 2023-08-24. Review status: criteria provided, single submitter. Criteria: Invitae Variant Classification Sherloc (09022015). Collection method: clinical testing. Allele origin: germline.
Comment: In summary, the available evidence is currently insufficient to determine the role of this variant in disease. Therefore, it has been classified as a Variant of Uncertain Significance. An algorithm developed to predict the effect of missense changes on protein structure and function (PolyPhen-2) suggests that this variant is likely to be disruptive. ClinVar contains an entry for this variant (Variation ID: 234266). This variant has not been reported in the literature in individuals affected with ATM-related conditions. This variant is present in population databases (rs761123780, gnomAD 0.006%). This sequence change replaces serine, which is neutral and polar, with cysteine, which is neutral and slightly polar, at codon 1360 of the ATM protein (p.Ser1360Cys).

GeneDx
Classification: Uncertain significance. Last evaluated: 2015-10-27. Review status: criteria provided, single submitter. Criteria: GeneDx Variant Classification (06012015). Collection method: clinical testing. Allele origin: germline. Affected: yes.
Comment: This variant is denoted ATM c.4078A>T at the cDNA level, p.Ser1360Cys (S1360C) at the protein level, and results in the change of a Serine to a Cysteine (AGT>TGT). This variant has not, to our knowledge, been published in the literature as pathogenic or benign. ATM Ser1360Cys was not observed in approximately 6,500 individuals of European and African American ancestry in the NHLBI Exome Sequencing Project, indicating it is not a common benign variant in these populations. Since Serine and Cysteine differ in polarity, charge, size or other properties, this is considered a non-conservative amino acid substitution. ATM Ser1360Cys occurs at a position that is not conserved and is not located in a known functional domain (Tavtigian 2009, Stracker 2013). In silico analyses predict that this variant is unlikely to alter protein structure or function. Based on currently available information, it is unclear whether ATM Ser1360Cys is pathogenic or benign. We consider it to be a variant of uncertain significance.

Natera, Inc.
Classification: Uncertain significance for Ataxia-telangiectasia. Last evaluated: 2020-09-02. Review status: no assertion criteria provided. Collection method: clinical testing. Allele origin: germline. Not counted in ClinVar's aggregate classification.